The following is an entry in ClinVar:

NC_012920.1(MT-ATP8):m.8369C>T

Gene: MT-ATP8 (mitochondrially encoded ATP synthase 8; plus strand).
Variant type: single nucleotide variant.
Genome position: chrM-8369-C-T.
Identifiers: ClinVar variation 692833 (VCV000692833.1), dbSNP rs1603221429, ClinGen allele CA414795810.

ClinVar aggregate classification (germline): Uncertain significance (1 of 4 stars; one submission).

Conditions:
Leigh syndrome (NULS). Also called: Leigh's necrotizing encephalopathy; Leigh's disease; Leigh Syndrome (mtDNA deletion); Leigh Disease; Subacute necrotizing encephalopathy; Necrotizing encephalopathy infantile subacute of Leigh. Identifiers: Orphanet 506, MedGen C2931891, MONDO:0009723, OMIM 256000.

Submission:

Wong Mito Lab, Molecular and Human Genetics, Baylor College of Medicine
Classification: Uncertain significance for Leigh syndrome. Last evaluated: 2019-10-17. Review status: criteria provided, single submitter. Criteria: Modified ACMG Guidelines (Unpublished). Collection method: clinical testing. Allele origin: germline.
Comment: The NC_012920.1:m.8369C>T (YP_003024030.1:p.Pro2Ser) variant in MTATP8 gene is interpretated to be a Uncertain Significance variant based on the modified ACMG guidelines (unpublished). This variant meets the following evidence codes: PP3, PP6, BS1